The following is an entry in ClinVar:

ClinVar aggregate classification (germline): Uncertain significance. Review status: criteria provided, multiple submitters, no conflicts (2 of 4 stars). 2 submissions from 2 submitters: Uncertain significance (2). Last evaluated 2024-11-06.

gnomAD v4.1: 7 of 1,551,784 alleles (0.00045%); highest among the groups gnomAD compares: Non-Finnish European, 0.00061%; no homozygotes.

Submissions (2):

GeneDx
Classification: Uncertain significance. Last evaluated: 2024-11-06. Review status: criteria provided, single submitter. Criteria: GeneDx Variant Classification Process June 2021. Collection method: clinical testing. Allele origin: germline. Affected: yes.
Comment: Not observed at significant frequency in large population cohorts (gnomAD); In silico analysis supports that this missense variant has a deleterious effect on protein structure/function; Has not been previously published as pathogenic or benign to our knowledge

Blueprint Genetics
Classification: Uncertain significance. Last evaluated: 2023-06-14. Review status: criteria provided, single submitter. Criteria: ACMG Guidelines, 2015. Collection method: clinical testing. Allele origin: germline.

NM_001384474.1(LOXHD1):c.6242G>T (p.Cys2081Phe)

Gene: LOXHD1 (lipoxygenase homology PLAT domains 1; minus strand). Cytogenetic location: 18q21.1.
Variant type: single nucleotide variant.
Coding change: c.6242G>T on transcript NM_001384474.1 (MANE Select); coding-DNA position 6242, G replaced by T.
Protein change: p.Cys2081Phe; replaces cysteine 2081 with phenylalanine.
Molecular consequence: missense variant.
Genome position (GRCh38, 1-based): chr18:46,483,686, C>A on the plus strand (G>T on the coding strand, the complement: LOXHD1 is on the minus strand). VCF-style: chr18-46483686-C-A. GRCh37 (hg19) VCF-style: chr18-44063649-C-A.
Other names: c.2909G>T, p.Cys970Phe (NM_001145472.3); c.959G>T, p.Cys320Phe (NM_001145473.3, NM_001173129.2); c.2621G>T, p.Cys874Phe (NM_001308013.2); c.6056G>T, p.Cys2019Phe (NM_144612.7); short protein forms C2019F, C2081F, C320F, C874F, C970F.
Identifiers: ClinVar variation 3898974 (VCV003898974.2).